The following is an entry in ClinVar:

NM_203447.4(DOCK8):c.158C>G (p.Pro53Arg)

Genes: DOCK8 (dedicator of cytokinesis 8; plus strand), LOC126860552 (BRD4-independent group 4 enhancer GRCh37_chr9:285795-286994; plus strand). Cytogenetic location: 9p24.3.
Variant type: single nucleotide variant.
Coding change: c.158C>G on transcript NM_203447.4 (MANE Select); coding-DNA position 158, C replaced by G.
Protein change: p.Pro53Arg; replaces proline 53 with arginine.
Molecular consequence: missense variant. On other transcripts: 5 prime UTR variant (2).
Genome position (GRCh38, 1-based): chr9:286,462, C>G. VCF-style: chr9-286462-C-G. GRCh37 (hg19) VCF-style: chr9-286462-C-G.
Other names: c.-47C>G (NM_001190458.2, NM_001193536.2); short protein forms P53R.
Identifiers: ClinVar variation 1428110 (VCV001428110.8), dbSNP rs777781052, ClinGen allele CA372755698.

ClinVar aggregate classification (germline): Uncertain significance (1 of 4 stars; one submission).

Conditions:
Combined immunodeficiency due to DOCK8 deficiency (HIES2). Also called: DOCK8 Deficiency; HIES autosomal recessive; Hyper-IgE recurrent infection syndrome, autosomal recessive; HYPER-IgE RECURRENT INFECTION SYNDROME 2, AUTOSOMAL RECESSIVE; HYPER-IgE SYNDROME 2, AUTOSOMAL RECESSIVE, WITH RECURRENT INFECTIONS. Identifiers: Orphanet 217390, MedGen C4722305, MONDO:0009478, OMIM 243700.

Allele frequency attached by ClinVar (database versions not stated): TOPMed 0.00001.

Submission:

Labcorp Genetics (formerly Invitae), Labcorp
Classification: Uncertain significance for Combined immunodeficiency due to DOCK8 deficiency. Last evaluated: 2022-11-22. Review status: criteria provided, single submitter. Criteria: Invitae Variant Classification Sherloc (09022015). Collection method: clinical testing. Allele origin: germline.
Comment: In summary, the available evidence is currently insufficient to determine the role of this variant in disease. Therefore, it has been classified as a Variant of Uncertain Significance. Algorithms developed to predict the effect of missense changes on protein structure and function are either unavailable or do not agree on the potential impact of this missense change (SIFT: "Tolerated"; PolyPhen-2: "Probably Damaging"; Align-GVGD: "Class C0"). ClinVar contains an entry for this variant (Variation ID: 1428110). This variant has not been reported in the literature in individuals affected with DOCK8-related conditions. This variant is not present in population databases (gnomAD no frequency). This sequence change replaces proline, which is neutral and non-polar, with arginine, which is basic and polar, at codon 53 of the DOCK8 protein (p.Pro53Arg).